The following is an entry in ClinVar:

NM_002485.5(NBN):c.223G>A (p.Gly75Ser)

Gene: NBN (nibrin; minus strand). Cytogenetic location: 8q21.3.
Variant type: single nucleotide variant.
Coding change: c.223G>A on transcript NM_002485.5 (MANE Select); coding-DNA position 223, G replaced by A.
Protein change: p.Gly75Ser; replaces glycine 75 with serine.
Molecular consequence: missense variant. On other transcripts: 5 prime UTR variant (1).
Genome position (GRCh38, 1-based): chr8:89,981,472, C>T on the plus strand (G>A on the coding strand, the complement: NBN is on the minus strand). VCF-style: chr8-89981472-C-T. GRCh37 (hg19) VCF-style: chr8-90993700-C-T.
Other names: c.-24G>A (NM_001024688.3); short protein forms G75S.
Identifiers: ClinVar variation 3906163 (VCV003906163.1).

ClinVar aggregate classification (germline): Uncertain significance (1 of 4 stars; one submission).

Conditions:
Hereditary cancer-predisposing syndrome. Also called: Hereditary Cancer Syndrome; Hereditary neoplastic syndrome; Neoplastic Syndromes, Hereditary; Tumor predisposition. Identifiers: Orphanet 140162, MedGen C0027672, MeSH D009386, MONDO:0015356.

Submission:

Hereditary Cancer Laboratory, Hospital Universitario 12 de Octubre
Classification: Uncertain significance for Hereditary cancer-predisposing syndrome. Last evaluated: 2024-07-01. Review status: criteria provided, single submitter. Criteria: ACMG Guidelines, 2015. Collection method: clinical testing. Allele origin: germline.
Comment: PM2, PP3